The following is an entry in ClinVar:

ClinVar aggregate classification (germline): Uncertain significance (1 of 4 stars; one submission).

Conditions:
Atrial fibrillation, familial, 7 (ATFB7). Identifiers: MedGen C2677106, MONDO:0012828, OMIM 612240.

Submission:

Labcorp Genetics (formerly Invitae), Labcorp
Classification: Uncertain significance for Atrial fibrillation, familial, 7. Last evaluated: 2025-05-05. Review status: criteria provided, single submitter. Criteria: Invitae Variant Classification Sherloc (09022015). Collection method: clinical testing. Allele origin: germline.
Comment: This sequence change affects codon 397 of the KCNA5 mRNA. It is a 'silent' change, meaning that it does not change the encoded amino acid sequence of the KCNA5 protein. This variant is not present in population databases (gnomAD no frequency). This variant has not been reported in the literature in individuals affected with KCNA5-related conditions. Experimental studies and prediction algorithms are not available or were not evaluated, and the effect of this variant on mRNA splicing is currently unknown. In summary, the available evidence is currently insufficient to determine the role of this variant in disease. Therefore, it has been classified as a Variant of Uncertain Significance.

NM_002234.4(KCNA5):c.1191C>T (p.Ala397=)

Gene: KCNA5 (potassium voltage-gated channel subfamily A member 5; plus strand). Cytogenetic location: 12p13.32.
Variant type: single nucleotide variant.
Coding change: c.1191C>T on transcript NM_002234.4 (MANE Select); coding-DNA position 1191, C replaced by T.
Protein change: p.Ala397=; no amino-acid change (alanine 397 retained).
Molecular consequence: synonymous variant.
Genome position (GRCh38, 1-based): chr12:5,045,338, C>T. VCF-style: chr12-5045338-C-T. GRCh37 (hg19) VCF-style: chr12-5154504-C-T.
Identifiers: ClinVar variation 4718971 (VCV004718971.1).